The following is an entry in ClinVar:

NM_000535.7(PMS2):c.1554G>C (p.Glu518Asp)

Gene: PMS2 (PMS1 homolog 2, mismatch repair system component; minus strand). Cytogenetic location: 7p22.1.
Variant type: single nucleotide variant.
Coding change: c.1554G>C on transcript NM_000535.7 (MANE Select); coding-DNA position 1554, G replaced by C.
Protein change: p.Glu518Asp; replaces glutamic acid 518 with aspartic acid.
Molecular consequence: missense variant. On other transcripts: non-coding transcript variant (1).
Genome position (GRCh38, 1-based): chr7:5,987,211, C>G on the plus strand (G>C on the coding strand, the complement: PMS2 is on the minus strand). VCF-style: chr7-5987211-C-G. GRCh37 (hg19) VCF-style: chr7-6026842-C-G.
Other names: c.1149G>C, p.Glu383Asp (NM_001322003.2, NM_001322004.2, NM_001322005.2 and 1 more transcripts); c.1398G>C, p.Glu466Asp (NM_001322006.2); c.1236G>C, p.Glu412Asp (NM_001322007.2, NM_001322008.2); c.993G>C, p.Glu331Asp (NM_001322010.2); c.621G>C, p.Glu207Asp (NM_001322011.2, NM_001322012.2); c.981G>C, p.Glu327Asp (NM_001322013.2); c.1554G>C, p.Glu518Asp (NM_001322014.2); c.1245G>C, p.Glu415Asp (NM_001322015.2); short protein forms E518D, E415D, E466D, E207D, E327D, E331D, E383D, E412D.
Identifiers: ClinVar variation 628617 (VCV000628617.9), dbSNP rs1562630820, ClinGen allele CA366741600.

ClinVar aggregate classification (germline): Conflicting classifications of pathogenicity. Review status: criteria provided, conflicting classifications (1 of 4 stars). 3 submissions from 3 submitters: Uncertain significance (2); Likely benign (1). Last evaluated 2024-10-10.

Conditions:
Hereditary nonpolyposis colorectal neoplasms. Identifiers: MedGen C0009405, MeSH D003123.
Hereditary cancer-predisposing syndrome. Also called: Neoplastic Syndromes, Hereditary; Tumor predisposition; Hereditary neoplastic syndrome; Hereditary Cancer Syndrome. Identifiers: Orphanet 140162, MedGen C0027672, MeSH D009386, MONDO:0015356.

Submissions (3):

Labcorp Genetics (formerly Invitae), Labcorp
Classification: Uncertain significance for Hereditary nonpolyposis colorectal neoplasms. Last evaluated: 2024-10-10. Review status: criteria provided, single submitter. Criteria: Invitae Variant Classification Sherloc (09022015). Collection method: clinical testing. Allele origin: germline.
Comment: This sequence change replaces glutamic acid, which is acidic and polar, with aspartic acid, which is acidic and polar, at codon 518 of the PMS2 protein (p.Glu518Asp). This variant is not present in population databases (gnomAD no frequency). This variant has not been reported in the literature in individuals affected with PMS2-related conditions. ClinVar contains an entry for this variant (Variation ID: 628617). Invitae Evidence Modeling incorporating data from in vitro experimental studies (internal data) indicates that this missense variant is not expected to disrupt PMS2 function with a negative predictive value of 95%. In summary, the available evidence is currently insufficient to determine the role of this variant in disease. Therefore, it has been classified as a Variant of Uncertain Significance.

Color Diagnostics, LLC DBA Color Health
Classification: Uncertain significance for Hereditary cancer-predisposing syndrome. Last evaluated: 2024-03-06. Review status: criteria provided, single submitter. Criteria: ACMG Guidelines, 2015. Collection method: clinical testing. Allele origin: germline.
Comment: This missense variant replaces glutamic acid with aspartic acid at codon 518 of the PMS2 protein. Computational prediction suggests that this variant may not impact protein structure and function (internally defined REVEL score threshold <= 0.5, PMID: 27666373). To our knowledge, functional studies have not been reported for this variant. This variant has not been reported in individuals affected with PMS2-related disorders in the literature. This variant has not been identified in the general population by the Genome Aggregation Database (gnomAD). The available evidence is insufficient to determine the role of this variant in disease conclusively. Therefore, this variant is classified as a Variant of Uncertain Significance.

Ambry Genetics
Classification: Likely benign for Hereditary cancer-predisposing syndrome. Last evaluated: 2015-12-31. Review status: criteria provided, single submitter. Criteria: Ambry Variant Classification Scheme 2023. Collection method: clinical testing. Allele origin: germline.